The following is an entry in ClinVar:

NM_005902.4(SMAD3):c.228G>T (p.Gln76His)

Gene: SMAD3 (SMAD family member 3; plus strand). Cytogenetic location: 15q22.33.
Variant type: single nucleotide variant.
Coding change: c.228G>T on transcript NM_005902.4 (MANE Select); coding-DNA position 228, G replaced by T.
Protein change: p.Gln76His; replaces glutamine 76 with histidine.
Molecular consequence: missense variant. On other transcripts: 5 prime UTR variant (1).
Genome position (GRCh38, 1-based): chr15:67,164,916, G>T. VCF-style: chr15-67164916-G-T. GRCh37 (hg19) VCF-style: chr15-67457254-G-T.
Other names: c.-88G>T (NM_001145102.2); c.96G>T, p.Gln32His (NM_001145103.2); short protein forms Q76H, Q32H.
Identifiers: ClinVar variation 268091 (VCV000268091.8), dbSNP rs886041046, ClinGen allele CA10602646.
Genomic context (GRCh38, chr15:67,164,916, plus strand): 5'-CACATTTCCCTCTCTTTCTGCCCCTCCCCGTCCTGGCAGGTCCCTGGATGGCCGGTTGCA[G>T]GTGTCCCATCGGAAGGGGCTCCCTCATGTCATCTACTGCCGCCTGTGGCGATGGCCAGAC-3'
Protein context (NP_005893.1, residues 66-86): TIPRSLDGRL[Gln76His]VSHRKGLPHV

ClinVar aggregate classification (germline): Likely pathogenic. Review status: criteria provided, single submitter (1 of 4 stars). 2 submissions from 2 submitters: Likely pathogenic (1). 1 of the submissions does not count toward it. Last evaluated 2020-12-01.

Conditions:
Familial thoracic aortic aneurysm and aortic dissection (TAAD). Also called: Thoracic aortic aneurysms and dissections. Identifiers: Orphanet 91387, MedGen C4707243, MONDO:0019625.
Aneurysm-osteoarthritis syndrome. Also called: ANEURYSMS-OSTEOARTHRITIS SYNDROME; Loeys-Dietz syndrome, type 1C; LOEYS-DIETZ SYNDROME WITH OSTEOARTHRITIS; SMAD3-Related Loeys-Dietz Syndrome. Identifiers: Orphanet 284984, MedGen C3151087, MONDO:0013426, OMIM 613795.

Submissions (2):

Labcorp Genetics (formerly Invitae), Labcorp
Classification: Likely pathogenic for Familial thoracic aortic aneurysm and aortic dissection. Last evaluated: 2020-12-01. Review status: criteria provided, single submitter. Criteria: Invitae Variant Classification Sherloc (09022015). Collection method: clinical testing. Allele origin: germline.
Comment: Algorithms developed to predict the effect of missense changes on protein structure and function are either unavailable or do not agree on the potential impact of this missense change (SIFT: "Not Available"; PolyPhen-2: "Possibly Damaging"; Align-GVGD: "Not Available"). This variant has been observed in individual(s) with clinical features of SMAD3-related conditions (Invitae). In at least one individual the variant was observed to be de novo. ClinVar contains an entry for this variant (Variation ID: 268091). This variant is not present in population databases (ExAC no frequency). This sequence change replaces glutamine with histidine at codon 76 of the SMAD3 protein (p.Gln76His). The glutamine residue is highly conserved and there is a small physicochemical difference between glutamine and histidine. In summary, the currently available evidence indicates that the variant is pathogenic, but additional data are needed to prove that conclusively. Therefore, this variant has been classified as Likely Pathogenic.

Institute of Human Genetics, Cologne University
Classification: Uncertain significance for Aneurysm-osteoarthritis syndrome. Last evaluated: 2016-11-08. Review status: no assertion criteria provided. Collection method: clinical testing. Allele origin: unknown. Affected: yes. Observed: 1 variant allele, 1 heterozygote. Not counted in ClinVar's aggregate classification.